The following is an entry in ClinVar:

ClinVar aggregate classification (germline): Uncertain significance (1 of 4 stars; one submission).

Conditions:
Charcot-Marie-Tooth disease axonal type 2O. Also called: CHARCOT-MARIE-TOOTH NEUROPATHY, AXONAL, TYPE 2O; CHARCOT-MARIE-TOOTH DISEASE, AXONAL, AUTOSOMAL DOMINANT, TYPE 2O; Charcot-Marie-Tooth disease, axonal, type 20; Charcot-Marie-Tooth Neuropathy Type 2O. Identifiers: Orphanet 284232, MedGen C3280220, MONDO:0013644, OMIM 614228.

Submission:

Labcorp Genetics (formerly Invitae), Labcorp
Classification: Uncertain significance for Charcot-Marie-Tooth disease axonal type 2O. Last evaluated: 2022-07-21. Review status: criteria provided, single submitter. Criteria: Invitae Variant Classification Sherloc (09022015). Collection method: clinical testing. Allele origin: germline.
Comment: This sequence change replaces isoleucine, which is neutral and non-polar, with methionine, which is neutral and non-polar, at codon 2127 of the DYNC1H1 protein (p.Ile2127Met). This variant is not present in population databases (gnomAD no frequency). This variant has not been reported in the literature in individuals affected with DYNC1H1-related conditions. Advanced modeling of protein sequence and biophysical properties (such as structural, functional, and spatial information, amino acid conservation, physicochemical variation, residue mobility, and thermodynamic stability) performed at Invitae indicates that this missense variant is not expected to disrupt DYNC1H1 protein function. In summary, the available evidence is currently insufficient to determine the role of this variant in disease. Therefore, it has been classified as a Variant of Uncertain Significance.

NM_001376.5(DYNC1H1):c.6381T>G (p.Ile2127Met)

Gene: DYNC1H1 (dynein cytoplasmic 1 heavy chain 1; plus strand). Cytogenetic location: 14q32.31.
Variant type: single nucleotide variant.
Coding change: c.6381T>G on transcript NM_001376.5 (MANE Select); coding-DNA position 6381, T replaced by G.
Protein change: p.Ile2127Met; replaces isoleucine 2127 with methionine.
Molecular consequence: missense variant.
Genome position (GRCh38, 1-based): chr14:102,010,435, T>G. VCF-style: chr14-102010435-T-G. GRCh37 (hg19) VCF-style: chr14-102476772-T-G.
Other names: short protein forms I2127M.
Identifiers: ClinVar variation 2132266 (VCV002132266.4), dbSNP rs759525537, ClinGen allele CA391054929.